The following is an entry in ClinVar:

ClinVar aggregate classification (germline): Uncertain significance (1 of 4 stars; one submission).

Submission:

Labcorp Genetics (formerly Invitae), Labcorp
Classification: Uncertain significance. Last evaluated: 2022-01-20. Review status: criteria provided, single submitter. Criteria: Invitae Variant Classification Sherloc (09022015). Collection method: clinical testing. Allele origin: germline.
Comment: This variant has not been reported in the literature in individuals affected with GNAS-related conditions. In summary, the available evidence is currently insufficient to determine the role of this variant in disease. Therefore, it has been classified as a Variant of Uncertain Significance. Variants that disrupt the consensus splice site are a relatively common cause of aberrant splicing (PMID: 17576681, 9536098). Algorithms developed to predict the effect of sequence changes on RNA splicing suggest that this variant may disrupt the consensus splice site. Information on the frequency of this variant in the gnomAD database is not available, as this variant may be reported differently in the database. This sequence change falls in intron 1 of the GNAS gene. It does not directly change the encoded amino acid sequence of the GNAS protein. It affects a nucleotide within the consensus splice site.

Literature cited by the submitters: PubMed 17576681; PubMed 9536098.

NM_000516.7(GNAS):c.139+3_139+4delinsGC

Gene: GNAS (GNAS complex locus; plus strand). Cytogenetic location: 20q13.32.
Variant type: Indel.
Coding change: c.139+3_139+4delinsGC on transcript NM_000516.7 (MANE Select); bases 3 to 4 of the intron after coding-DNA position 139, AA replaced by GC.
Molecular consequence: intron variant.
Genome position (GRCh38, 1-based): chr20:58,891,868-58,891,869, AA replaced by GC. VCF-style: chr20-58891868-AA-GC. GRCh37 (hg19) VCF-style: chr20-57466923-AA-GC.
Other names: c.*43-3744_*43-3743delinsGC (NM_016592.5); c.-38-3744_-38-3743delinsGC (NM_001309861.2); c.*1-3744_*1-3743delinsGC (NM_001077490.3); c.2069-3744_2069-3743delinsGC (NM_080425.4); c.*159-3744_*159-3743delinsGC (NM_001309883.1); c.-39+2515_-39+2516delinsGC (NM_001309840.2); c.139+3_139+4delinsGC (NM_001077488.5, NM_080426.4, NM_001077489.4 and 1 more transcripts).
Identifiers: ClinVar variation 1349244 (VCV001349244.6), dbSNP rs2145917462, ClinGen allele CA2573157187.